The following is an entry in ClinVar:

ClinVar aggregate classification (germline): Likely benign (1 of 4 stars; one submission).

Allele frequency attached by ClinVar (database versions not stated): gnomAD exomes 0.00020; ExAC 0.00061; 1000 Genomes Project 30x 0.00219.
gnomAD v4.1: 332 of 1,608,878 alleles (0.021%); highest among the groups gnomAD compares: South Asian, 0.33%; 11 homozygotes.

Submission:

CeGaT Center for Human Genetics Tuebingen
Classification: Likely benign. Last evaluated: 2023-03-01. Review status: criteria provided, single submitter. Criteria: CeGaT Center For Human Genetics Tuebingen Variant Classification Criteria Version 2. Collection method: clinical testing. Allele origin: germline. Affected: yes. Observed: 1 variant allele.
Comment: ZNF705G: BP4, BP7, BS2

NM_001164457.3(ZNF705G):c.849A>T (p.Pro283=)

Gene: ZNF705G (zinc finger protein 705G). Cytogenetic location: 8p23.1.
Variant type: single nucleotide variant.
Coding change: c.849A>T on transcript NM_001164457.3 (MANE Select); coding-DNA position 849, A replaced by T.
Protein change: p.Pro283=; no amino-acid change (proline 283 retained).
Molecular consequence: synonymous variant.
Genome position (GRCh38, 1-based): chr8:7,358,030, T>A on the plus strand (A>T on the coding strand, the complement: ZNF705G is on the minus strand). VCF-style: chr8-7358030-T-A. GRCh37 (hg19) VCF-style: chr8-7215552-T-A.
Identifiers: ClinVar variation 2658361 (VCV002658361.24), dbSNP rs751096876, ClinGen allele CA4615059.